The following is an entry in ClinVar:

NM_003482.4(KMT2D):c.5319+1G>A

Gene: KMT2D (lysine methyltransferase 2D; minus strand). Cytogenetic location: 12q13.12.
Variant type: single nucleotide variant.
Coding change: c.5319+1G>A on transcript NM_003482.4 (MANE Select); the canonical splice donor site of the intron after coding-DNA position 5319, G replaced by A.
Molecular consequence: splice donor variant.
Genome position (GRCh38, 1-based): chr12:49,043,867, C>T on the plus strand (G>A on the coding strand, the complement: KMT2D is on the minus strand). VCF-style: chr12-49043867-C-T. GRCh37 (hg19) VCF-style: chr12-49437650-C-T.
Identifiers: ClinVar variation 657231 (VCV000657231.8), dbSNP rs1057520722, ClinGen allele CA384634234.

ClinVar aggregate classification (germline): Likely pathogenic (1 of 4 stars; one submission).

Conditions:
Kabuki syndrome. Also called: NIIKAWA-KUROKI SYNDROME; Kabuki make-up syndrome. Identifiers: Orphanet 2322, MedGen C0796004, MONDO:0016512.

Submissions (2):

Labcorp Genetics (formerly Invitae), Labcorp
Classification: Likely pathogenic for Kabuki syndrome. Last evaluated: 2018-10-03. Review status: criteria provided, single submitter. Criteria: Invitae Variant Classification Sherloc (09022015). Collection method: clinical testing. Allele origin: germline.
Comment: This sequence change affects a donor splice site in intron 22 of the KMT2D gene. It is expected to disrupt RNA splicing and likely results in an absent or disrupted protein product. This variant is not present in population databases (ExAC no frequency). This variant has not been reported in the literature in individuals with KMT2D-related disease. Algorithms developed to predict the effect of sequence changes on RNA splicing suggest that this variant may disrupt the consensus splice site, but this prediction has not been confirmed by published transcriptional studies. Donor and acceptor splice site variants typically lead to a loss of protein function (PMID: 16199547), and loss-of-function variants in KMT2D are known to be pathogenic (PMID: 22126750). In summary, the currently available evidence indicates that the variant is pathogenic, but additional data are needed to prove that conclusively. Therefore, this variant has been classified as Likely Pathogenic.

Dr. Peter K. Rogan Lab, Western University
No classification provided (evidence only). Condition: Malignant tumor of urinary bladder. Review status: no classification provided. Collection method: in vitro. Allele origin: not applicable. Functional consequence: retained intron. Not counted in ClinVar's aggregate classification.

Literature cited by the submitters: PubMed 16199547 (cited by Labcorp Genetics (formerly Invitae), Labcorp); PubMed 22126750 (cited by Labcorp Genetics (formerly Invitae), Labcorp).